The following is an entry in ClinVar:

NM_000038.6(APC):c.7519C>T (p.Leu2507Phe)

Gene: APC (APC regulator of Wnt signaling pathway; plus strand). Cytogenetic location: 5q22.2.
Variant type: single nucleotide variant.
Coding change: c.7519C>T on transcript NM_000038.6 (MANE Select); coding-DNA position 7519, C replaced by T.
Protein change: p.Leu2507Phe; replaces leucine 2507 with phenylalanine.
Molecular consequence: missense variant.
Genome position (GRCh38, 1-based): chr5:112,843,113, C>T. VCF-style: chr5-112843113-C-T. GRCh37 (hg19) VCF-style: chr5-112178810-C-T.
Other names: c.7519C>T, p.Leu2507Phe (NM_001127510.3, NM_001354895.2); c.7465C>T, p.Leu2489Phe (NM_001127511.3); c.7573C>T, p.Leu2525Phe (NM_001354896.2); c.7549C>T, p.Leu2517Phe (NM_001354897.2); c.7444C>T, p.Leu2482Phe (NM_001354898.2); c.7435C>T, p.Leu2479Phe (NM_001354899.2); c.7396C>T, p.Leu2466Phe (NM_001354900.2); c.7342C>T, p.Leu2448Phe (NM_001354901.2); and 5 more; short protein forms L2507F, L2489F, L2347F, L2406F, L2517F, L2525F, L2381F, L2448F.
Identifiers: ClinVar variation 575302 (VCV000575302.19), dbSNP rs1561616229, ClinGen allele CA16037679.

ClinVar aggregate classification (germline): Uncertain significance. Review status: criteria provided, multiple submitters, no conflicts (2 of 4 stars). 5 submissions from 5 submitters: Uncertain significance (5). Last evaluated 2025-10-29.

Conditions:
Hereditary cancer-predisposing syndrome. Also called: Neoplastic Syndromes, Hereditary; Hereditary Cancer Syndrome; Hereditary neoplastic syndrome; Tumor predisposition. Identifiers: Orphanet 140162, MedGen C0027672, MeSH D009386, MONDO:0015356.
Familial adenomatous polyposis 1 (FAP1). Also called: POLYPOSIS, ADENOMATOUS INTESTINAL; FAMILIAL ADENOMATOUS POLYPOSIS 1, ATTENUATED. Identifiers: MedGen C2713442, MONDO:0021056, OMIM 175100. Disease mechanism: loss of function.

Allele frequency attached by ClinVar (database versions not stated): gnomAD exomes below 0.00001; TOPMed below 0.00001.
gnomAD v4.1: 1 of 1,614,074 alleles (0.000062%); highest among the groups gnomAD compares: Non-Finnish European, 0.000085%; no homozygotes.

Submissions (5):

Labcorp Genetics (formerly Invitae), Labcorp
Classification: Uncertain significance for Familial adenomatous polyposis 1. Last evaluated: 2025-10-29. Review status: criteria provided, single submitter. Criteria: Invitae Variant Classification Sherloc (09022015). Collection method: clinical testing. Allele origin: germline.
Comment: This sequence change replaces leucine, which is neutral and non-polar, with phenylalanine, which is neutral and non-polar, at codon 2507 of the APC protein (p.Leu2507Phe). This variant is not present in population databases (gnomAD no frequency). This variant has not been reported in the literature in individuals affected with APC-related conditions. ClinVar contains an entry for this variant (Variation ID: 575302). Invitae Evidence Modeling of protein sequence and biophysical properties (such as structural, functional, and spatial information, amino acid conservation, physicochemical variation, residue mobility, and thermodynamic stability) indicates that this missense variant is not expected to disrupt APC protein function with a negative predictive value of 95%. In summary, the available evidence is currently insufficient to determine the role of this variant in disease. Therefore, it has been classified as a Variant of Uncertain Significance.

Dasa
Classification: Uncertain significance. Last evaluated: 2025-07-19. Review status: criteria provided, single submitter. Criteria: DASA Assertion Criteria. Collection method: clinical testing. Allele origin: germline.
Comment: NM_000038.6(APC):c.7519C>T (p.Leu2507Phe) is a missense variant that results in the substitution of leucine with phenylalanine. This variant is rare in population databases. Computational prediction algorithms are consistent with a benign effect. The currently available literature and clinical evidence are not sufficient to establish a definitive association between this variant and the reported condition. Therefore, this variant is classified as a variant of uncertain significance.

Ambry Genetics
Classification: Uncertain significance for Hereditary cancer-predisposing syndrome. Last evaluated: 2024-12-05. Review status: criteria provided, single submitter. Criteria: Ambry Variant Classification Scheme 2023. Collection method: clinical testing. Allele origin: germline.
Comment: The p.L2507F variant (also known as c.7519C>T), located in coding exon 15 of the APC gene, results from a C to T substitution at nucleotide position 7519. The leucine at codon 2507 is replaced by phenylalanine, an amino acid with highly similar properties. This amino acid position is well conserved in available vertebrate species. In addition, in silico predictors for this gene do not accurately predict pathogenicity. Missense alterations in APC are not a common cause of disease (Spier I et al. Genet Med. 2024 Feb;26(2):100992). Based on the available evidence, the clinical significance of this variant remains unclear.

Color Diagnostics, LLC DBA Color Health
Classification: Uncertain significance for Hereditary cancer-predisposing syndrome. Last evaluated: 2023-12-04. Review status: criteria provided, single submitter. Criteria: ACMG Guidelines, 2015. Collection method: clinical testing. Allele origin: germline.
Comment: This missense variant replaces leucine with phenylalanine at codon 2507 of the APC protein. Computational prediction suggests that this variant may not impact protein structure and function (internally defined REVEL score threshold <= 0.5, PMID: 27666373). To our knowledge, functional studies have not been reported for this variant. This variant has not been reported in individuals affected with APC-related disorders in the literature. This variant has not been identified in the general population by the Genome Aggregation Database (gnomAD). The available evidence is insufficient to determine the role of this variant in disease conclusively. Therefore, this variant is classified as a Variant of Uncertain Significance.

Mendelics
Classification: Uncertain significance for Familial adenomatous polyposis 1. Last evaluated: 2018-07-02. Review status: criteria provided, single submitter. Criteria: Mendelics Assertion Criteria 2017. Collection method: clinical testing. Allele origin: unknown.